The following is an entry in ClinVar:

NM_031935.3(HMCN1):c.7597C>A (p.Arg2533Ser)

Gene: HMCN1 (hemicentin 1; plus strand). Cytogenetic location: 1q31.1.
Variant type: single nucleotide variant.
Coding change: c.7597C>A on transcript NM_031935.3 (MANE Select); coding-DNA position 7597, C replaced by A.
Protein change: p.Arg2533Ser; replaces arginine 2533 with serine.
Molecular consequence: missense variant.
Genome position (GRCh38, 1-based): chr1:186,065,321, C>A. VCF-style: chr1-186065321-C-A. GRCh37 (hg19) VCF-style: chr1-186034453-C-A.
Other names: short protein forms R2533S.
Identifiers: ClinVar variation 3623812 (VCV003623812.2).

ClinVar aggregate classification (germline): Uncertain significance (1 of 4 stars; one submission).

gnomAD v4.1: 3 of 1,612,524 alleles (0.00019%); highest among the groups gnomAD compares: Admixed American, 0.0017%; no homozygotes.

Submission:

Labcorp Genetics (formerly Invitae), Labcorp
Classification: Uncertain significance. Last evaluated: 2025-01-29. Review status: criteria provided, single submitter. Criteria: Invitae Variant Classification Sherloc (09022015). Collection method: clinical testing. Allele origin: germline.
Comment: This sequence change replaces arginine, which is basic and polar, with serine, which is neutral and polar, at codon 2533 of the HMCN1 protein (p.Arg2533Ser). This variant is present in population databases (no rsID available, gnomAD 0.003%). This variant has not been reported in the literature in individuals affected with HMCN1-related conditions. An algorithm developed to predict the effect of missense changes on protein structure and function (PolyPhen-2) suggests that this variant is likely to be disruptive. In summary, the available evidence is currently insufficient to determine the role of this variant in disease. Therefore, it has been classified as a Variant of Uncertain Significance.